The following is an entry in ClinVar:

NM_003072.5(SMARCA4):c.1048A>G (p.Ser350Gly)

Gene: SMARCA4 (SWI/SNF related BAF chromatin remodeling complex subunit ATPase 4; plus strand). Cytogenetic location: 19p13.2.
Variant type: single nucleotide variant.
Coding change: c.1048A>G on transcript NM_003072.5 (MANE Select); coding-DNA position 1048, A replaced by G.
Protein change: p.Ser350Gly; replaces serine 350 with glycine.
Molecular consequence: missense variant. On other transcripts: non-coding transcript variant (1).
Genome position (GRCh38, 1-based): chr19:10,987,854, A>G. VCF-style: chr19-10987854-A-G. GRCh37 (hg19) VCF-style: chr19-11098530-A-G.
Other names: c.1048A>G, p.Ser350Gly (NM_001387283.1, NM_001411150.1, NM_001128844.3 and 6 more transcripts); short protein forms S350G.
Identifiers: ClinVar variation 2778513 (VCV002778513.3), dbSNP rs2145820569, ClinGen allele CA404058706.
Genomic context (GRCh38, chr19:10,987,854, plus strand): 5'-ACCCAGTCCCCCGGGCAGCCGGCCCAGCCCGCGCCCATGGTGCCACTGCACCAGAAGCAG[A>G]GCCGCATCACCCCCATCCAGAAGCCGCGGGGCCTCGACCCTGTGGAGATCCTGCAGGAGC-3'
Protein context (NP_003063.2, residues 340-360): APMVPLHQKQ[Ser350Gly]RITPIQKPRG

ClinVar aggregate classification (germline): Uncertain significance (1 of 4 stars; one submission).

Conditions:
Rhabdoid tumor predisposition syndrome 2 (RTPS2). Identifiers: Orphanet 231108, Orphanet 69077, MedGen C2750074, MONDO:0013224, OMIM 613325.

Submission:

Labcorp Genetics (formerly Invitae), Labcorp
Classification: Uncertain significance for Rhabdoid tumor predisposition syndrome 2. Last evaluated: 2023-02-08. Review status: criteria provided, single submitter. Criteria: Invitae Variant Classification Sherloc (09022015). Collection method: clinical testing. Allele origin: germline.
Comment: This sequence change replaces serine, which is neutral and polar, with glycine, which is neutral and non-polar, at codon 350 of the SMARCA4 protein (p.Ser350Gly). This variant is not present in population databases (gnomAD no frequency). Algorithms developed to predict the effect of missense changes on protein structure and function (SIFT, PolyPhen-2, Align-GVGD) all suggest that this variant is likely to be tolerated. This variant has not been reported in the literature in individuals affected with SMARCA4-related conditions. In summary, the available evidence is currently insufficient to determine the role of this variant in disease. Therefore, it has been classified as a Variant of Uncertain Significance.